The following is an entry in ClinVar:

NM_000170.3(GLDC):c.824A>T (p.Asp275Val)

Gene: GLDC (glycine decarboxylase; minus strand). Cytogenetic location: 9p24.1.
Variant type: single nucleotide variant.
Coding change: c.824A>T on transcript NM_000170.3 (MANE Select); coding-DNA position 824, A replaced by T.
Protein change: p.Asp275Val; replaces aspartic acid 275 with valine.
Molecular consequence: missense variant.
Genome position (GRCh38, 1-based): chr9:6,605,168, T>A on the plus strand (A>T on the coding strand, the complement: GLDC is on the minus strand). VCF-style: chr9-6605168-T-A. GRCh37 (hg19) VCF-style: chr9-6605168-T-A.
Other names: short protein forms D275V.
Identifiers: ClinVar variation 1707087 (VCV001707087.2), dbSNP rs2489104215, ClinGen allele CA372896336.

ClinVar aggregate classification (germline): Uncertain significance (1 of 4 stars; one submission).

Submission:

GeneDx
Classification: Uncertain significance. Last evaluated: 2022-03-21. Review status: criteria provided, single submitter. Criteria: GeneDx Variant Classification Process June 2021. Collection method: clinical testing. Allele origin: germline. Affected: yes.
Comment: Not observed at significant frequency in large population cohorts (gnomAD); In silico analysis supports that this missense variant has a deleterious effect on protein structure/function; Has not been previously published as pathogenic or benign to our knowledge